The following is an entry in ClinVar:

ClinVar aggregate classification (germline): Uncertain significance (1 of 4 stars; one submission).

Submission:

Labcorp Genetics (formerly Invitae), Labcorp
Classification: Uncertain significance. Last evaluated: 2022-09-12. Review status: criteria provided, single submitter. Criteria: Invitae Variant Classification Sherloc (09022015). Collection method: clinical testing. Allele origin: germline.
Comment: This sequence change falls in intron 1 of the OAS1 gene. It does not directly change the encoded amino acid sequence of the OAS1 protein. This variant is not present in population databases (gnomAD no frequency). This variant has not been reported in the literature in individuals affected with OAS1-related conditions. Algorithms developed to predict the effect of sequence changes on RNA splicing suggest that this variant may create or strengthen a splice site. In summary, the available evidence is currently insufficient to determine the role of this variant in disease. Therefore, it has been classified as a Variant of Uncertain Significance.

NM_016816.4(OAS1):c.181-10T>A

Gene: OAS1 (2'-5'-oligoadenylate synthetase 1; plus strand). Cytogenetic location: 12q24.13.
Variant type: single nucleotide variant.
Coding change: c.181-10T>A on transcript NM_016816.4 (MANE Select); 10 bases into the intron before coding-DNA position 181, T replaced by A.
Molecular consequence: intron variant.
Genome position (GRCh38, 1-based): chr12:112,908,526, T>A. VCF-style: chr12-112908526-T-A. GRCh37 (hg19) VCF-style: chr12-113346331-T-A.
Other names: c.181-10T>A (NM_001320151.2, NM_001032409.3, NM_002534.4).
Identifiers: ClinVar variation 2030110 (VCV002030110.4), dbSNP rs2540944973, ClinGen allele CA2580085819.